The following is an entry in ClinVar:

ClinVar aggregate classification (germline): Likely benign (0 of 4 stars; one submission).

Conditions:
HIVEP3-related disorder. Also called: HIVEP3-related condition.

Allele frequency attached by ClinVar (database versions not stated): gnomAD 0.00003; TOPMed 0.00005; ESP Exome Variant Server 0.00008.
gnomAD v4.1: 9 of 1,611,602 alleles (0.00056%); highest among the groups gnomAD compares: African/African-American, 0.011%; no homozygotes.

Submission:

PreventionGenetics, part of Exact Sciences
Classification: Likely benign for HIVEP3-related condition. Last evaluated: 2019-04-09. Review status: no assertion criteria provided. Collection method: clinical testing. Allele origin: germline.
Comment: This variant is classified as likely benign based on ACMG/AMP sequence variant interpretation guidelines (Richards et al. 2015 PMID: 25741868, with internal and published modifications).

NM_024503.5(HIVEP3):c.2241G>A (p.Arg747=)

Gene: HIVEP3 (HIVEP zinc finger 3; minus strand). Cytogenetic location: 1p34.2.
Variant type: single nucleotide variant.
Coding change: c.2241G>A on transcript NM_024503.5 (MANE Select); coding-DNA position 2241, G replaced by A.
Protein change: p.Arg747=; no amino-acid change (arginine 747 retained).
Molecular consequence: synonymous variant.
Genome position (GRCh38, 1-based): chr1:41,582,557, C>T on the plus strand (G>A on the coding strand, the complement: HIVEP3 is on the minus strand). VCF-style: chr1-41582557-C-T. GRCh37 (hg19) VCF-style: chr1-42048228-C-T.
Other names: c.2241G>A, p.Arg747= (NM_001127714.3).
Identifiers: ClinVar variation 3058274 (VCV003058274.2), dbSNP rs140463263, ClinGen allele CA21165424.